The following is an entry in ClinVar:

ClinVar aggregate classification (germline): Pathogenic (1 of 4 stars; one submission).

Conditions:
Classic homocystinuria. Also called: HOMOCYSTINURIA WITH OR WITHOUT RESPONSE TO PYRIDOXINE; Homocystinuria due to CBS deficiency; Cystathionine beta-synthase deficiency; CBS deficiency; Homocystinuria due to Cystathionine Beta-Synthase Deficiency. Identifiers: Orphanet 394, MedGen C0751202, MONDO:0009352, OMIM 236200.

Submission:

Myriad Genetics, Inc.
Classification: Pathogenic for Classic homocystinuria. Last evaluated: 2026-08-13. Review status: criteria provided, single submitter. Criteria: Myriad Autosomal Dominant, Autosomal Recessive and X-Linked Classification Criteria (2023). Collection method: clinical testing. Allele origin: unknown.
Comment: NM_000071.2(CBS):c.688dupC(L230Pfs*9) is expected to be pathogenic in the context of homocystinuria, CBS-related. This variant is predicted to lead to an abnormal or absent protein product due to the creation of a premature termination codon in CBS, a gene where loss-of-function variants are known to be pathogenic. Please note: this variant was assessed in the context of healthy population screening.

NM_000071.3(CBS):c.688dup (p.Leu230fs)

Gene: CBS (cystathionine beta-synthase; minus strand). Cytogenetic location: 21q22.3.
Variant type: Duplication.
Coding change: c.688dup on transcript NM_000071.3 (MANE Select); coding-DNA position 688, one base duplicated (C; older notation c.688dupC).
Protein change: p.Leu230fs; shifts the reading frame from leucine 230.
Molecular consequence: frameshift variant.
Genome position (GRCh38, 1-based): chr21:43,065,251, G duplicated on the plus strand (C on the coding strand, the reverse complement: CBS is on the minus strand); the first of 5 consecutive G bases (chr21:43,065,251-43,065,255); duplicating any one gives the same sequence. VCF-style (leftmost placement, unchanged base first): chr21-43065250-A-AG. GRCh37 (hg19) VCF-style: chr21-44485360-A-AG.
Other names: c.688dup, p.Leu230fs (NM_001178008.3, NM_001178009.3, NM_001320298.2); c.373dup, p.Leu125fs (NM_001321072.1); short protein forms L125fs, L230fs.
Identifiers: ClinVar variation 5016232 (VCV005016232.1).